The following is an entry in ClinVar:

NM_001080.3(ALDH5A1):c.1105C>T (p.Arg369Cys)

Gene: ALDH5A1 (aldehyde dehydrogenase 5 family member A1; plus strand). Cytogenetic location: 6p22.3.
Variant type: single nucleotide variant.
Coding change: c.1105C>T on transcript NM_001080.3 (MANE Select); coding-DNA position 1105, C replaced by T.
Protein change: p.Arg369Cys; replaces arginine 369 with cysteine.
Molecular consequence: missense variant.
Genome position (GRCh38, 1-based): chr6:24,522,857, C>T. VCF-style: chr6-24522857-C-T. GRCh37 (hg19) VCF-style: chr6-24523085-C-T.
Other names: c.961C>T, p.Arg321Cys (NM_001368954.1); c.1144C>T, p.Arg382Cys (NM_170740.1); short protein forms R382C, R369C, R321C.
Identifiers: ClinVar variation 966936 (VCV000966936.8), dbSNP rs772038058, ClinGen allele CA3656851.

ClinVar aggregate classification (germline): Uncertain significance. Review status: criteria provided, multiple submitters, no conflicts (2 of 4 stars). 2 submissions from 2 submitters: Uncertain significance (2). Last evaluated 2022-02-05.

Conditions:
Succinate-semialdehyde dehydrogenase deficiency (SSADHD). Also called: Succinic Semialdehyde Dehydrogenase Deficiency; GABA METABOLIC DEFECT; 4-HYDROXYBUTYRIC ACIDURIA; SSADH DEFICIENCY. Identifiers: Orphanet 22, MedGen C0268631, MONDO:0010083, OMIM 271980.

Allele frequency attached by ClinVar (database versions not stated): ExAC 0.00001; gnomAD 0.00001; gnomAD exomes 0.00001; TOPMed 0.00002.
gnomAD v4.1: 10 of 1,613,826 alleles (0.00062%); highest among the groups gnomAD compares: Middle Eastern, 0.016%; no homozygotes.

Submissions (2):

Labcorp Genetics (formerly Invitae), Labcorp
Classification: Uncertain significance for Succinate-semialdehyde dehydrogenase deficiency. Last evaluated: 2022-02-05. Review status: criteria provided, single submitter. Criteria: Invitae Variant Classification Sherloc (09022015). Collection method: clinical testing. Allele origin: germline.
Comment: This sequence change replaces arginine, which is basic and polar, with cysteine, which is neutral and slightly polar, at codon 369 of the ALDH5A1 protein (p.Arg369Cys). This variant is present in population databases (rs772038058, gnomAD 0.01%). This variant has not been reported in the literature in individuals affected with ALDH5A1-related conditions. ClinVar contains an entry for this variant (Variation ID: 966936). Advanced modeling of protein sequence and biophysical properties (such as structural, functional, and spatial information, amino acid conservation, physicochemical variation, residue mobility, and thermodynamic stability) performed at Invitae indicates that this missense variant is not expected to disrupt ALDH5A1 protein function. Algorithms developed to predict the effect of sequence changes on RNA splicing suggest that this variant may create or strengthen a splice site. In summary, the available evidence is currently insufficient to determine the role of this variant in disease. Therefore, it has been classified as a Variant of Uncertain Significance.

GeneDx
Classification: Uncertain significance. Last evaluated: 2019-08-13. Review status: criteria provided, single submitter. Criteria: GeneDx Variant Classification Process June 2021. Collection method: clinical testing. Allele origin: germline. Affected: yes.
Comment: Not observed at a significant frequency in large population cohorts (Lek et al., 2016); In silico analysis, which includes protein predictors and evolutionary conservation, supports a deleterious effect; In silico analysis, which includes splice predictors and evolutionary conservation, suggests this variant may impact gene splicing. In the absence of RNA/functional studies, the actual effect of this sequence change is unknown.; Identified in studies of de novo missense variants in patients with neurodevelopmental disorders, however, the number of individuals harboring this variant and specific genotype/phenotype information were not provided (Fromer et al, 2014; Geisheker et al., 2017); This variant is associated with the following publications: (PMID: 24463507, 28628100)